The following is an entry in ClinVar:

ClinVar aggregate classification (germline): Uncertain significance (1 of 4 stars; one submission).

Conditions:
Autosomal dominant nocturnal frontal lobe epilepsy 5. Also called: CILIARY DYSKINESIA, PRIMARY, 28, WITHOUT SITUS INVERSUS; KCNT1-Related Epilepsy; CILIARY DYSKINESIA, PRIMARY, 28, WITH SITUS INVERSUS; Epilepsy, nocturnal frontal lobe, 5. Identifiers: Orphanet 98784, MedGen C3554306, MONDO:0014002, OMIM 615005.
Developmental and epileptic encephalopathy, 14 (DEE14). Also called: Early infantile epileptic encephalopathy 14. Identifiers: Orphanet 293181, MedGen C3554195, MONDO:0013989, OMIM 614959.

Submission:

Labcorp Genetics (formerly Invitae), Labcorp
Classification: Uncertain significance for Epilepsy, nocturnal frontal lobe, 5; Early infantile epileptic encephalopathy 14. Last evaluated: 2019-12-10. Review status: criteria provided, single submitter. Criteria: Invitae Variant Classification Sherloc (09022015). Collection method: clinical testing. Allele origin: germline.
Comment: This sequence change replaces valine with leucine at codon 662 of the KCNT1 protein (p.Val662Leu). The valine residue is moderately conserved and there is a small physicochemical difference between valine and leucine. This variant is not present in population databases (ExAC no frequency). This variant has not been reported in the literature in individuals with KCNT1-related conditions. Algorithms developed to predict the effect of missense changes on protein structure and function are either unavailable or do not agree on the potential impact of this missense change (SIFT: "Deleterious"; PolyPhen-2: "Benign"; Align-GVGD: "Class C0"). In summary, the available evidence is currently insufficient to determine the role of this variant in disease. Therefore, it has been classified as a Variant of Uncertain Significance.

NM_020822.3(KCNT1):c.1984G>T (p.Val662Leu)

Gene: KCNT1 (potassium sodium-activated channel subfamily T member 1; plus strand). Cytogenetic location: 9q34.3.
Variant type: single nucleotide variant.
Coding change: c.1984G>T on transcript NM_020822.3 (MANE Select); coding-DNA position 1984, G replaced by T.
Protein change: p.Val662Leu; replaces valine 662 with leucine.
Molecular consequence: missense variant.
Genome position (GRCh38, 1-based): chr9:135,771,071, G>T. VCF-style: chr9-135771071-G-T. GRCh37 (hg19) VCF-style: chr9-138662917-G-T.
Other names: c.1849G>T, p.Val617Leu (NM_001272003.2); short protein forms V617L, V662L.
Identifiers: ClinVar variation 842583 (VCV000842583.1), dbSNP rs757867931, ClinGen allele CA375508813.